The following is an entry in ClinVar:

NM_000426.4(LAMA2):c.2404G>A (p.Glu802Lys)

Gene: LAMA2 (laminin subunit alpha 2; plus strand). Cytogenetic location: 6q22.33.
Variant type: single nucleotide variant.
Coding change: c.2404G>A on transcript NM_000426.4 (MANE Select); coding-DNA position 2404, G replaced by A.
Protein change: p.Glu802Lys; replaces glutamic acid 802 with lysine.
Molecular consequence: missense variant.
Genome position (GRCh38, 1-based): chr6:129,270,705, G>A. VCF-style: chr6-129270705-G-A. GRCh37 (hg19) VCF-style: chr6-129591850-G-A.
Other names: c.2404G>A, p.Glu802Lys (NM_001079823.2); short protein forms E802K.
Identifiers: ClinVar variation 1442145 (VCV001442145.9), dbSNP rs2114357233, ClinGen allele CA365609150.
Genomic context (GRCh38, chr6:129,270,705, plus strand): 5'-GGCCCATATTGTGATAAATGTCTTCCTGGTTTCTATGGCGAGCCTACTAAAGGAACCTCT[G>A]AAGACTGTCAACCCTGTGCCTGTCCACTCAATATCCCATCCAATAAGTAAGTAACAAACT-3'
Protein context (NP_000417.3, residues 792-812): FYGEPTKGTS[Glu802Lys]DCQPCACPLN

ClinVar aggregate classification (germline): Uncertain significance (1 of 4 stars; one submission).

Conditions:
LAMA2-related muscular dystrophy (LAMA2-RD). Also called: Laminin alpha 2-related dystrophy. Identifiers: MedGen C5679788, MONDO:0100228.

Allele frequency attached by ClinVar (database versions not stated): gnomAD exomes below 0.00001.
gnomAD v4.1: 1 of 1,613,234 alleles (0.000062%); highest among the groups gnomAD compares: Non-Finnish European, 0.000085%; no homozygotes.

Submission:

Labcorp Genetics (formerly Invitae), Labcorp
Classification: Uncertain significance for LAMA2-related muscular dystrophy. Last evaluated: 2021-06-07. Review status: criteria provided, single submitter. Criteria: Invitae Variant Classification Sherloc (09022015). Collection method: clinical testing. Allele origin: germline.
Comment: This sequence change replaces glutamic acid with lysine at codon 802 of the LAMA2 protein (p.Glu802Lys). The glutamic acid residue is weakly conserved and there is a small physicochemical difference between glutamic acid and lysine. This variant is not present in population databases (ExAC no frequency). This variant has not been reported in the literature in individuals with LAMA2-related conditions. Advanced modeling of protein sequence and biophysical properties (such as structural, functional, and spatial information, amino acid conservation, physicochemical variation, residue mobility, and thermodynamic stability) performed at Invitae indicates that this missense variant is not expected to disrupt LAMA2 protein function. In summary, the available evidence is currently insufficient to determine the role of this variant in disease. Therefore, it has been classified as a Variant of Uncertain Significance.